The following is an entry in ClinVar:

NM_005902.4(SMAD3):c.243G>T (p.Lys81Asn)

Gene: SMAD3 (SMAD family member 3; plus strand). Cytogenetic location: 15q22.33.
Variant type: single nucleotide variant.
Coding change: c.243G>T on transcript NM_005902.4 (MANE Select); coding-DNA position 243, G replaced by T.
Protein change: p.Lys81Asn; replaces lysine 81 with asparagine.
Molecular consequence: missense variant. On other transcripts: 5 prime UTR variant (1).
Genome position (GRCh38, 1-based): chr15:67,164,931, G>T. VCF-style: chr15-67164931-G-T. GRCh37 (hg19) VCF-style: chr15-67457269-G-T.
Other names: c.-73G>T (NM_001145102.2); c.111G>T, p.Lys37Asn (NM_001145103.2); short protein forms K81N, K37N.
Identifiers: ClinVar variation 477573 (VCV000477573.10), dbSNP rs1555412065, ClinGen allele CA392953578.
Genomic context (GRCh38, chr15:67,164,931, plus strand): 5'-TTCTGCCCCTCCCCGTCCTGGCAGGTCCCTGGATGGCCGGTTGCAGGTGTCCCATCGGAA[G>T]GGGCTCCCTCATGTCATCTACTGCCGCCTGTGGCGATGGCCAGACCTGCACAGCCACCAC-3'
Protein context (NP_005893.1, residues 71-91): LDGRLQVSHR[Lys81Asn]GLPHVIYCRL

ClinVar aggregate classification (germline): Uncertain significance. Review status: criteria provided, multiple submitters, no conflicts (2 of 4 stars). 2 submissions from 2 submitters: Uncertain significance (2). Last evaluated 2025-11-25.

Conditions:
Familial thoracic aortic aneurysm and aortic dissection (TAAD). Also called: Thoracic aortic aneurysms and dissections. Identifiers: Orphanet 91387, MedGen C4707243, MONDO:0019625.

gnomAD v4.1: 1 of 1,613,502 alleles (0.000062%); highest among the groups gnomAD compares: Non-Finnish European, 0.000085%; no homozygotes.

Submissions (2):

Labcorp Genetics (formerly Invitae), Labcorp
Classification: Uncertain significance for Familial thoracic aortic aneurysm and aortic dissection. Last evaluated: 2025-11-25. Review status: criteria provided, single submitter. Criteria: Invitae Variant Classification Sherloc (09022015). Collection method: clinical testing. Allele origin: germline.
Comment: This sequence change replaces lysine, which is basic and polar, with asparagine, which is neutral and polar, at codon 81 of the SMAD3 protein (p.Lys81Asn). This variant is not present in population databases (gnomAD no frequency). This variant has not been reported in the literature in individuals affected with SMAD3-related conditions. ClinVar contains an entry for this variant (Variation ID: 477573). Invitae Evidence Modeling incorporating data from in vitro experimental studies (internal data) indicates that this missense variant is expected to disrupt SMAD3 function with a positive predictive value of 95%. In summary, the available evidence is currently insufficient to determine the role of this variant in disease. Therefore, it has been classified as a Variant of Uncertain Significance.

GeneDx
Classification: Uncertain significance. Last evaluated: 2019-12-05. Review status: criteria provided, single submitter. Criteria: GeneDx Variant Classification Process June 2021. Collection method: clinical testing. Allele origin: germline. Affected: yes.
Comment: Has not been previously published as pathogenic or benign to our knowledge; Reported in ClinVar but additional evidence is not available (ClinVar Variant ID# 477573; Landrum et al., 2016); Not observed in large population cohorts (Lek et al., 2016); In silico analysis, which includes protein predictors and evolutionary conservation, supports a deleterious effect; This variant is associated with the following publications: (PMID: 31825148)